The following is an entry in ClinVar:

ClinVar aggregate classification (germline): Uncertain significance (1 of 4 stars; one submission).

Conditions:
Long QT syndrome (LQTS). Identifiers: MedGen C0023976, MeSH D008133, MONDO:0002442. Disease mechanism: loss of function. Inheritance: Various modes of inheritance.

Submission:

Labcorp Genetics (formerly Invitae), Labcorp
Classification: Uncertain significance for Long QT syndrome. Last evaluated: 2025-06-03. Review status: criteria provided, single submitter. Criteria: Invitae Variant Classification Sherloc (09022015). Collection method: clinical testing. Allele origin: germline.
Comment: This sequence change replaces aspartic acid, which is acidic and polar, with alanine, which is neutral and non-polar, at codon 1059 of the KCNH2 protein (p.Asp1059Ala). This variant is not present in population databases (gnomAD no frequency). This variant has not been reported in the literature in individuals affected with KCNH2-related conditions. An algorithm developed to predict the effect of missense changes on protein structure and function (PolyPhen-2) suggests that this variant is likely to be disruptive. In summary, the available evidence is currently insufficient to determine the role of this variant in disease. Therefore, it has been classified as a Variant of Uncertain Significance.

NM_000238.4(KCNH2):c.3176A>C (p.Asp1059Ala)

Gene: KCNH2 (potassium voltage-gated channel subfamily H member 2; minus strand). Cytogenetic location: 7q36.1.
Variant type: single nucleotide variant.
Coding change: c.3176A>C on transcript NM_000238.4 (MANE Select); coding-DNA position 3176, A replaced by C.
Protein change: p.Asp1059Ala; replaces aspartic acid 1059 with alanine.
Molecular consequence: missense variant. On other transcripts: non-coding transcript variant (2).
Genome position (GRCh38, 1-based): chr7:150,947,031, T>G on the plus strand (A>C on the coding strand, the complement: KCNH2 is on the minus strand). VCF-style: chr7-150947031-T-G. GRCh37 (hg19) VCF-style: chr7-150644119-T-G.
Other names: c.2888A>C, p.Asp963Ala (NM_001406753.1); c.2156A>C, p.Asp719Ala (NM_172057.3); short protein forms D719A, D963A, D1059A.
Identifiers: ClinVar variation 4720667 (VCV004720667.1).
Genomic context (GRCh38, chr7:150,947,031, plus strand): 5'-CTGTAGGCGGGCGGGACCAGCGTCATCTGCCTCTGTAGCAGCTGCAGGACAGTGGCCATG[T>G]CTGCACTCAGCCGGGTCTCCAGCCTGGGGCAGGAAGTGGGGGATGCTCAGAGAAGTGGGG-3'
Protein context (NP_000229.1, residues 1049-1069): LNRLETRLSA[Asp1059Ala]MATVLQLLQR